The following is an entry in ClinVar:

NM_001042492.3(NF1):c.5085_5088dup (p.Leu1697fs)

Gene: NF1 (neurofibromin 1; plus strand). Cytogenetic location: 17q11.2.
Variant type: Duplication.
Coding change: c.5085_5088dup on transcript NM_001042492.3 (MANE Select); coding-DNA positions 5085 to 5088, 4 bases duplicated (GCTG; older notation c.5085_5088dupGCTG).
Protein change: p.Leu1697fs; shifts the reading frame from leucine 1697.
Molecular consequence: frameshift variant.
Genome position (GRCh38, 1-based): chr17:31,326,069-31,326,072, GCTG duplicated; duplicating any 4 consecutive bases within chr17:31,326,068-31,326,072 gives the same sequence; the c. name uses the placement nearest the transcript's 3' end. VCF-style (leftmost placement, unchanged base first): chr17-31326067-C-CGGCT. GRCh37 (hg19) VCF-style: chr17-29653085-C-CGGCT.
Other names: c.5022_5025dupGCTG (NM_000267.3); c.5022_5025dup, p.Leu1676fs (NM_000267.4); short protein forms L1676fs, L1697fs.
Identifiers: ClinVar variation 4119071 (VCV004119071.1).
Genomic context (GRCh38, chr17:31,326,067, plus strand): 5'-TCCGCAGTCTATATCTATAACTGTAACTCCTGGGTCAGGGAGTACACCAAGTATCATGAG[C>CGGCT]GGCTGCTGACTGGCCTCAAAGGTAGCAAAAGGCTTGTTTTCATAGACTGTCCTGGGAAAC-3'

ClinVar aggregate classification (germline): Pathogenic (1 of 4 stars; one submission).

Conditions:
Cardiovascular phenotype. Identifiers: MedGen CN230736.
Hereditary cancer-predisposing syndrome. Also called: Hereditary neoplastic syndrome; Neoplastic Syndromes, Hereditary; Tumor predisposition; Hereditary Cancer Syndrome. Identifiers: Orphanet 140162, MedGen C0027672, MeSH D009386, MONDO:0015356.

Submission:

Ambry Genetics
Classification: Pathogenic for Cardiovascular phenotype; Hereditary cancer-predisposing syndrome. Last evaluated: 2025-07-15. Review status: criteria provided, single submitter. Criteria: Ambry Variant Classification Scheme 2023. Collection method: clinical testing. Allele origin: germline.
Comment: The c.5022_5025dupGCTG pathogenic mutation, located in coding exon 36 of the NF1 gene, results from a duplication of GCTG at nucleotide position 5022, causing a translational frameshift with a predicted alternate stop codon (p.L1676Afs*8). This variant is considered to be rare based on population cohorts in the Genome Aggregation Database (gnomAD). This alteration is expected to result in loss of function by premature protein truncation or nonsense-mediated mRNA decay. As such, this alteration is interpreted as a disease-causing mutation.